The following is an entry in ClinVar:

ClinVar aggregate classification (germline): Pathogenic/Likely pathogenic. Review status: criteria provided, multiple submitters, no conflicts (2 of 4 stars). 2 submissions from 2 submitters: Pathogenic (1); Likely pathogenic (1). Last evaluated 2022-04-09.

Conditions:
Immunodeficiency 67. Also called: Immunodeficiency due to interleukin-1 receptor-associated kinase-4 deficiency. Identifiers: Orphanet 70592, MedGen C1843256, MONDO:0011888, OMIM 607676.

Allele frequency attached by ClinVar (database versions not stated): TOPMed below 0.00001; gnomAD exomes 0.00001; ExAC 0.00002.

Submissions (2):

Labcorp Genetics (formerly Invitae), Labcorp
Classification: Pathogenic for Immunodeficiency 67. Last evaluated: 2022-04-09. Review status: criteria provided, single submitter. Criteria: Invitae Variant Classification Sherloc (09022015). Collection method: clinical testing. Allele origin: germline.
Comment: This variant is present in population databases (rs766515269, gnomAD 0.03%). This variant has not been reported in the literature in individuals affected with IRAK4-related conditions. For these reasons, this variant has been classified as Pathogenic. This sequence change creates a premature translational stop signal (p.Leu112Tyrfs*7) in the IRAK4 gene. It is expected to result in an absent or disrupted protein product. Loss-of-function variants in IRAK4 are known to be pathogenic (PMID: 17893200, 21057262).

Institute of Human Genetics Munich, TUM University Hospital
Classification: Likely pathogenic for Immunodeficiency 67. Last evaluated: 2021-10-18. Review status: criteria provided, single submitter. Criteria: Classification criteria August 2017. Collection method: clinical testing. Allele origin: germline. Inheritance: Autosomal recessive inheritance. Affected: yes. Observed: 1 variant allele.

Literature cited by the submitters: PubMed 17893200 (cited by Labcorp Genetics (formerly Invitae), Labcorp); PubMed 21057262 (cited by Labcorp Genetics (formerly Invitae), Labcorp).

NM_016123.4(IRAK4):c.333del (p.Leu112fs)

Gene: IRAK4 (interleukin 1 receptor associated kinase 4; plus strand). Cytogenetic location: 12q12.
Variant type: Deletion.
Coding change: c.333del on transcript NM_016123.4 (MANE Select); coding-DNA position 333, one base deleted (A; older notation c.333delA).
Protein change: p.Leu112fs; shifts the reading frame from leucine 112.
Molecular consequence: frameshift variant. On other transcripts: 5 prime UTR variant (10).
Genome position (GRCh38, 1-based): chr12:43,772,205, A deleted. VCF-style (leftmost placement, unchanged base first): chr12-43772204-CA-C. GRCh37 (hg19) VCF-style: chr12-44166007-CA-C.
Other names: c.333del, p.Leu112fs (NM_001114182.3, NM_001351345.2); c.-40del (NM_001145256.2, NM_001145257.2, NM_001145258.2 and 5 more transcripts); c.-191del (NM_001351343.2, NM_001351344.2); short protein forms L112fs.
Identifiers: ClinVar variation 1803983 (VCV001803983.6), dbSNP rs766515269, ClinGen allele CA6522343.
Genomic context (GRCh38, chr12:43,772,204, plus strand): 5'-ACTGAAAAACCACTTGTATCTTACTTCATTTGTTAGATGCTGTTCCCAAAACTGCTAATA[CA>C]CTACCTTCTAAAGAAGCTATAACAGTTCAGCAAAAACAGATGCCTTTCTGTGACAAAGAC-3'